The following is an entry in ClinVar:

ClinVar aggregate classification (germline): Likely pathogenic (1 of 4 stars; one submission).

Submission:

GeneDx
Classification: Likely pathogenic. Last evaluated: 2017-04-27. Review status: criteria provided, single submitter. Criteria: GeneDx Variant Classification (06012015). Collection method: clinical testing. Allele origin: germline. Affected: yes.
Comment: The G180V variant in the EFTUD2 gene has not been reported previously as a pathogenic variant, nor as a benign variant, to our knowledge. The G180V variant is not observe in large population cohorts (Lek et al., 2016; 1000 Genomes Consortium et al., 2015; Exome Variant Server). The G180V variant is a conservative amino acid substitution, which is not likely to impact secondary protein structure as these residues share similar properties. This substitution occurs at a position that is conserved across species. In silico analysis predicts this variant is probably damaging to the protein structure/function. We interpret G180V as a likely pathogenic variant.

NM_004247.4(EFTUD2):c.539G>T (p.Gly180Val)

Gene: EFTUD2 (elongation factor Tu GTP binding domain containing 2; minus strand). Cytogenetic location: 17q21.31.
Variant type: single nucleotide variant.
Coding change: c.539G>T on transcript NM_004247.4 (MANE Select); coding-DNA position 539, G replaced by T.
Protein change: p.Gly180Val; replaces glycine 180 with valine.
Molecular consequence: missense variant.
Genome position (GRCh38, 1-based): chr17:44,880,634, C>A on the plus strand (G>T on the coding strand, the complement: EFTUD2 is on the minus strand). VCF-style: chr17-44880634-C-A. GRCh37 (hg19) VCF-style: chr17-42958002-C-A.
Other names: c.434G>T, p.Gly145Val (NM_001142605.2); c.539G>T, p.Gly180Val (NM_001258353.2); c.509G>T, p.Gly170Val (NM_001258354.2); short protein forms G180V, G145V, G170V.
Identifiers: ClinVar variation 449947 (VCV000449947.2), dbSNP rs1555569127, ClinGen allele CA399823402.